The following is an entry in ClinVar:

ClinVar aggregate classification (germline): Pathogenic. Review status: criteria provided, single submitter (1 of 4 stars). 2 submissions from 2 submitters: Pathogenic (1). 1 of the submissions does not count toward it. Last evaluated 2026-02-01.

Conditions:
Neuronal ceroid lipofuscinosis 1 (CLN1). Also called: PPT1-Related Neuronal Ceroid-Lipofuscinosis; CEROID LIPOFUSCINOSIS, NEURONAL, 1, VARIABLE AGE AT ONSET. Identifiers: Orphanet 228329, MedGen C1850451, MONDO:0009744, OMIM 256730.

Submissions (2):

CeGaT Center for Human Genetics Tuebingen
Classification: Pathogenic. Last evaluated: 2026-02-01. Review status: criteria provided, single submitter. Criteria: CeGaT Center For Human Genetics Tuebingen Variant Classification Criteria Version 2. Collection method: clinical testing. Allele origin: germline. Affected: yes. Observed: 1 variant allele.
Comment: PPT1: PVS1, PM2

Counsyl
Classification: Likely pathogenic for Neuronal ceroid lipofuscinosis 1. Last evaluated: 2016-01-29. Review status: no assertion criteria provided. Collection method: clinical testing. Allele origin: unknown. Not counted in ClinVar's aggregate classification.

NM_000310.4(PPT1):c.327C>A (p.Tyr109Ter)

Gene: PPT1 (palmitoyl-protein thioesterase 1; minus strand). Cytogenetic location: 1p34.2.
Variant type: single nucleotide variant.
Coding change: c.327C>A on transcript NM_000310.4 (MANE Select); coding-DNA position 327, C replaced by A.
Protein change: p.Tyr109Ter; replaces tyrosine 109 with a stop codon.
Molecular consequence: nonsense. On other transcripts: intron variant (1).
Genome position (GRCh38, 1-based): chr1:40,092,080, G>T on the plus strand (C>A on the coding strand, the complement: PPT1 is on the minus strand). VCF-style: chr1-40092080-G-T. GRCh37 (hg19) VCF-style: chr1-40557752-G-T.
Other names: c.327C>A, p.Tyr109Ter (NM_001363695.2); c.125-2568C>A (NM_001142604.2); short protein forms Y109*.
Identifiers: ClinVar variation 370384 (VCV000370384.7), dbSNP rs1057516447, ClinGen allele CA16040730.